The following is an entry in ClinVar:

NM_004360.5(CDH1):c.1712-54dup

Gene: CDH1 (cadherin 1; plus strand). Cytogenetic location: 16q22.1.
Variant type: Duplication.
Coding change: c.1712-54dup on transcript NM_004360.5 (MANE Select); 54 bases into the intron before coding-DNA position 1712, one base duplicated (T; older notation c.1712-54dupT).
Molecular consequence: intron variant.
Genome position (GRCh38, 1-based): chr16:68,821,947, T duplicated. VCF-style (leftmost placement, unchanged base first): chr16-68821946-A-AT. GRCh37 (hg19) VCF-style: chr16-68855849-A-AT.
Other names: c.164-54dup (NM_001317185.2); c.-254-54dup (NM_001317186.2); c.1529-54dup (NM_001317184.2).
Identifiers: ClinVar variation 2502976 (VCV002502976.1), dbSNP rs570024094, ClinGen allele CA283311870.

ClinVar aggregate classification (germline): Uncertain significance (1 of 4 stars; one submission).

Conditions:
Hereditary diffuse gastric adenocarcinoma (HDGC). Also called: DIFFUSE GASTRIC AND LOBULAR BREAST CANCER SYNDROME. Identifiers: Orphanet 26106, MedGen C1708349, MONDO:0007648, OMIM 137215.

Allele frequency attached by ClinVar (database versions not stated): gnomAD exomes 0.00016; gnomAD 0.00021; TOPMed 0.00028; 1000 Genomes Project 30x 0.00156; 1000 Genomes Project 0.00180.

Submission:

European Reference Network on Genetic Tumour Risk Syndromes (ERN-GENTURIS), i3s - Instituto de Investigação e Inovação em Saúde, University of Porto
Classification: Uncertain significance for Hereditary diffuse gastric adenocarcinoma. Last evaluated: 2022-08-01. Review status: criteria provided, single submitter. Criteria: Lee et al. (Hum Mutat. 2018). Collection method: clinical testing. Allele origin: germline. Inheritance: Autosomal dominant inheritance. Affected: no. Study: ERN GENTURIS.
Comment: PM2 (PMID: 30311375)

Literature cited by the submitters: PubMed 36436516.